The following is an entry in ClinVar:

ClinVar aggregate classification (germline): Uncertain significance (1 of 4 stars; one submission).

Submission:

GeneDx
Classification: Uncertain significance. Last evaluated: 2026-01-27. Review status: criteria provided, single submitter. Criteria: GeneDx Variant Classification Process June 2021. Collection method: clinical testing. Allele origin: germline.
Comment: Not observed at significant frequency in large population cohorts (gnomAD); In silico analysis suggests that this missense variant does not alter protein structure/function; Has not been previously published as pathogenic or benign to our knowledge

NM_014159.7(SETD2):c.5A>C (p.Lys2Thr)

Genes: SETD2 (SET domain containing 2, histone lysine methyltransferase; minus strand), LOC129936665 (ATAC-STARR-seq lymphoblastoid silent region 14306; plus strand). Cytogenetic location: 3p21.31.
Variant type: single nucleotide variant.
Coding change: c.5A>C on transcript NM_014159.7 (MANE Select); coding-DNA position 5, A replaced by C.
Protein change: p.Lys2Thr; replaces lysine 2 with threonine.
Molecular consequence: missense variant. On other transcripts: 5 prime UTR variant (1), non-coding transcript variant (1).
Genome position (GRCh38, 1-based): chr3:47,163,920, T>G on the plus strand (A>C on the coding strand, the complement: SETD2 is on the minus strand). VCF-style: chr3-47163920-T-G. GRCh37 (hg19) VCF-style: chr3-47205410-T-G.
Other names: c.-112A>C (NM_001349370.3); short protein forms K2T.
Identifiers: ClinVar variation 4975300 (VCV004975300.1).